The following is an entry in ClinVar:

NM_006885.4(ZFHX3):c.2616G>A (p.Leu872=)

Gene: ZFHX3 (zinc finger homeobox 3; minus strand). Cytogenetic location: 16q22.3.
Variant type: single nucleotide variant.
Coding change: c.2616G>A on transcript NM_006885.4 (MANE Select); coding-DNA position 2616, G replaced by A.
Protein change: p.Leu872=; no amino-acid change (leucine 872 retained).
Molecular consequence: synonymous variant. On other transcripts: intron variant (1).
Genome position (GRCh38, 1-based): chr16:72,957,530, C>T on the plus strand (G>A on the coding strand, the complement: ZFHX3 is on the minus strand). VCF-style: chr16-72957530-C-T. GRCh37 (hg19) VCF-style: chr16-72991429-C-T.
Other names: c.2616G>A, p.Leu872= (NM_001386735.1); c.-23-6565G>A (NM_001164766.2).
Identifiers: ClinVar variation 2646839 (VCV002646839.25), dbSNP rs202236544, ClinGen allele CA8164374.

ClinVar aggregate classification (germline): Likely benign. Review status: criteria provided, multiple submitters, no conflicts (2 of 4 stars). 2 submissions from 2 submitters: Likely benign (2). Last evaluated 2024-11-14.

Allele frequency attached by ClinVar (database versions not stated): TOPMed 0.00037; gnomAD 0.00048; ESP Exome Variant Server 0.00077.
gnomAD v4.1: 789 of 1,614,132 alleles (0.049%); highest among the groups gnomAD compares: Non-Finnish European, 0.059%; 2 homozygotes.

Submissions (2):

Blueprint Genetics
Classification: Likely benign. Last evaluated: 2024-11-14. Review status: criteria provided, single submitter. Criteria: ACMG Guidelines, 2015. Collection method: clinical testing. Allele origin: germline.

CeGaT Center for Human Genetics Tuebingen
Classification: Likely benign. Last evaluated: 2022-11-01. Review status: criteria provided, single submitter. Criteria: CeGaT Center For Human Genetics Tuebingen Variant Classification Criteria Version 2. Collection method: clinical testing. Allele origin: germline. Affected: yes. Observed: 2 variant alleles.
Comment: ZFHX3: BP4, BP7, BS1